The following is an entry in ClinVar:

ClinVar aggregate classification (germline): Uncertain significance. Review status: criteria provided, single submitter (1 of 4 stars). 2 submissions from 2 submitters: Uncertain significance (1). 1 of the submissions does not count toward it. Last evaluated 2024-10-20.

Conditions:
NCOA1-related disorder. Also called: NCOA1-related condition.

Allele frequency attached by ClinVar (database versions not stated): ExAC 0.00003; gnomAD exomes 0.00003; gnomAD 0.00001; TOPMed 0.00002.
gnomAD v4.1: 21 of 1,614,014 alleles (0.0013%); highest among the groups gnomAD compares: Admixed American, 0.035%; no homozygotes.

Submissions (2):

Ambry Genetics
Classification: Uncertain significance. Last evaluated: 2024-10-20. Review status: criteria provided, single submitter. Criteria: Ambry Variant Classification Scheme 2023. Collection method: clinical testing. Allele origin: germline.

PreventionGenetics, part of Exact Sciences
Classification: Uncertain significance for NCOA1-related condition. Last evaluated: 2024-04-25. Review status: no assertion criteria provided. Collection method: clinical testing. Allele origin: germline. Not counted in ClinVar's aggregate classification.
Comment: The NCOA1 c.991A>G variant is predicted to result in the amino acid substitution p.Ile331Val. To our knowledge, this variant has not been reported in the literature. This variant is reported in 0.058% of alleles in individuals of Latino descent in gnomAD, which may be too common to be a primary cause of disease. Although we suspect that this variant may be benign, at this time, the clinical significance of this variant is uncertain due to the absence of conclusive functional and genetic evidence.

NM_003743.5(NCOA1):c.991A>G (p.Ile331Val)

Gene: NCOA1 (nuclear receptor coactivator 1; plus strand). Cytogenetic location: 2p23.3.
Variant type: single nucleotide variant.
Coding change: c.991A>G on transcript NM_003743.5 (MANE Select); coding-DNA position 991, A replaced by G.
Protein change: p.Ile331Val; replaces isoleucine 331 with valine.
Molecular consequence: missense variant.
Genome position (GRCh38, 1-based): chr2:24,705,127, A>G. VCF-style: chr2-24705127-A-G. GRCh37 (hg19) VCF-style: chr2-24927996-A-G.
Other names: c.991A>G, p.Ile331Val (NM_001362950.1, NM_001362952.1, NM_001362954.1 and 3 more transcripts); short protein forms I331V.
Identifiers: ClinVar variation 2631359 (VCV002631359.4), dbSNP rs765479337, ClinGen allele CA1552154.